The following is an entry in ClinVar:

NM_002618.4(PEX13):c.568T>C (p.Tyr190His)

Gene: PEX13 (peroxisomal biogenesis factor 13; plus strand). Cytogenetic location: 2p15.
Variant type: single nucleotide variant.
Coding change: c.568T>C on transcript NM_002618.4 (MANE Select); coding-DNA position 568, T replaced by C.
Protein change: p.Tyr190His; replaces tyrosine 190 with histidine.
Molecular consequence: missense variant.
Genome position (GRCh38, 1-based): chr2:61,031,894, T>C. VCF-style: chr2-61031894-T-C. GRCh37 (hg19) VCF-style: chr2-61259029-T-C.
Other names: short protein forms Y190H.
Identifiers: ClinVar variation 1382877 (VCV001382877.3), dbSNP rs2104803558, ClinGen allele CA346943894.

ClinVar aggregate classification (germline): Uncertain significance (1 of 4 stars; one submission).

Conditions:
Peroxisome biogenesis disorder 11A (Zellweger). Also called: Peroxisome biogenesis disorder 11A. Identifiers: Orphanet 912, MedGen C3554000, MONDO:0013949, OMIM 614883.

Submission:

Labcorp Genetics (formerly Invitae), Labcorp
Classification: Uncertain significance for Peroxisome biogenesis disorder 11A (Zellweger). Last evaluated: 2022-06-27. Review status: criteria provided, single submitter. Criteria: Invitae Variant Classification Sherloc (09022015). Collection method: clinical testing. Allele origin: germline.
Comment: This sequence change replaces tyrosine, which is neutral and polar, with histidine, which is basic and polar, at codon 190 of the PEX13 protein (p.Tyr190His). This variant is not present in population databases (gnomAD no frequency). This variant has not been reported in the literature in individuals affected with PEX13-related conditions. Algorithms developed to predict the effect of missense changes on protein structure and function are either unavailable or do not agree on the potential impact of this missense change (SIFT: "Tolerated"; PolyPhen-2: "Probably Damaging"; Align-GVGD: "Class C0"). In summary, the available evidence is currently insufficient to determine the role of this variant in disease. Therefore, it has been classified as a Variant of Uncertain Significance.